The following is an entry in ClinVar:

ClinVar aggregate classification (germline): Pathogenic/Likely pathogenic. Review status: criteria provided, multiple submitters, no conflicts (2 of 4 stars). 6 submissions from 6 submitters: Pathogenic (3); Likely pathogenic (2). 1 of the submissions does not count toward it. Last evaluated 2025-11-04.

Conditions:
Maple syrup urine disease type 1A (MSUD1A). Also called: MSUD type 1A. Identifiers: MedGen C1855369, MONDO:0023691, OMIM 248600.
Maple syrup urine disease type 1B (MSUD1B). Also called: MSUD type IB; MSUD type 3 (formerly); MSUD due to deficiency of e1-beta subunit of branched-chain alpha-keto acid dehydrogenase complex. Identifiers: MedGen C2930990, MONDO:0023692, OMIM 620698.
Maple syrup urine disease (MSUD). Identifiers: Orphanet 511, MedGen C0024776, MeSH D008375, MONDO:0009563. Disease mechanism: loss of function.

Allele frequency attached by ClinVar (database versions not stated): ExAC 0.00001; gnomAD 0.00001; gnomAD exomes 0.00001; TOPMed 0.00001.
gnomAD v4.1: 22 of 1,612,746 alleles (0.0014%); highest among the groups gnomAD compares: Admixed American, 0.0017%; no homozygotes.

Submissions (6):

Natera, Inc.
Classification: Pathogenic for Maple syrup urine disease type 1B. Last evaluated: 2025-11-04. Review status: criteria provided, single submitter. Criteria: Natera Variant Classification Schema (03/2026). Collection method: clinical testing. Allele origin: germline.
Comment: The c.410C>T variant in BCKDHB is a missense variant predicted to cause substitution of alanine to valine at amino acid 137. This variant is rare in the general population with a frequency below the threshold expected for the associated phenotype(s). This variant has been observed in one or more individuals affected with the associated recessive disease, as either homozygous or compound heterozygous with a second variant (PMID: 31119508, 32812330, 31980395). Computational prediction algorithms indicate this variant is likely to affect gene or protein function. Given the available evidence, this variant is classified as Pathogenic.

Labcorp Genetics (formerly Invitae), Labcorp
Classification: Pathogenic for Maple syrup urine disease. Last evaluated: 2023-12-05. Review status: criteria provided, single submitter. Criteria: Invitae Variant Classification Sherloc (09022015). Collection method: clinical testing. Allele origin: germline.
Comment: This sequence change replaces alanine, which is neutral and non-polar, with valine, which is neutral and non-polar, at codon 137 of the BCKDHB protein (p.Ala137Val). This variant is present in population databases (rs776631396, gnomAD 0.003%). This missense change has been observed in individual(s) with maple syrup urine disease (PMID: 14567968, 16468966, 26830710, 29306928). In at least one individual the data is consistent with being in trans (on the opposite chromosome) from a pathogenic variant. ClinVar contains an entry for this variant (Variation ID: 370949). Advanced modeling of protein sequence and biophysical properties (such as structural, functional, and spatial information, amino acid conservation, physicochemical variation, residue mobility, and thermodynamic stability) performed at Invitae indicates that this missense variant is expected to disrupt BCKDHB protein function with a positive predictive value of 80%. Experimental studies have shown that this missense change affects BCKDHB function (PMID: 14567968). For these reasons, this variant has been classified as Pathogenic.

Women's Health and Genetics/Laboratory Corporation of America, LabCorp
Classification: Pathogenic for Maple syrup urine disease. Last evaluated: 2022-02-16. Review status: criteria provided, single submitter. Criteria: LabCorp Variant Classification Summary - May 2015. Collection method: clinical testing. Allele origin: germline.
Comment: Variant summary: BCKDHB c.410C>T (p.Ala137Val) results in a non-conservative amino acid change located in the Transketolase-like, pyrimidine-binding domain (IPR005475) of the encoded protein sequence. Five of five in-silico tools predict a damaging effect of the variant on protein function. The variant allele was found at a frequency of 1.2e-05 in 251162 control chromosomes. c.410C>T has been reported in the literature as homozygous and compound heterozygous genotypes in multiple individuals affected with classic features of Maple Syrup Urine Disease (example, Nellis_2003, Strauss_2006, Stojiljkovic_2016, Zeynalzadeh_2018, Khalifa_2020). These data indicate that the variant is very likely to be associated with disease. To our knowledge, no variant specific experimental evidence demonstrating an impact on protein function has been reported although individuals homozygous for this variant displayed all the classic biochemical profiles characteristic of Maple Syrup Urine Disease (example, Zeynalzadeh_2018, Khalifa_2020). Five clinical diagnostic laboratories have submitted clinical-significance assessments for this variant to ClinVar after 2014 without evidence for independent evaluation. All laboratories classified the variant as pathogenic/likely pathogenic. Based on the evidence outlined above, the variant was classified as pathogenic.

Genome-Nilou Lab
Classification: Likely pathogenic for Maple syrup urine disease type 1A. Last evaluated: 2021-11-07. Review status: criteria provided, single submitter. Criteria: ACMG Guidelines, 2015. Collection method: clinical testing. Allele origin: germline. Affected: no.

Rady Children's Institute for Genomic Medicine, Rady Children's Hospital San Diego
Classification: Likely pathogenic for MAPLE SYRUP URINE DISEASE. Last evaluated: 2018-05-18. Review status: criteria provided, single submitter. Criteria: ACMG Guidelines, 2015. Collection method: clinical testing. Allele origin: germline. Affected: yes. Observed: 1 variant allele.
Comment: This variant has been previously reported as disease causing in the Human Gene Mutation Database (HGMD) and is present in ClinVar database as likely pathogenic. Nellis M., et al (PMID: 14567968) showed that it was present as a compound heterozygous change in a patient with maple syrup urine disease (MSUD; OMIM#248600), type 1B. In this report it was shown that the patient had deficient activity of the branched chain a-ketoacid dehydrogenase (BCKD) complex (PMID: 14567968). The c.410C>T (p.Ala137Val) variant is present in the heterozygous state in the gnomAD population database at a very low frequency and thus is presumed to be rare. The c.410C>T (p.Ala137Val) variant affects a highly conserved amino acid and is predicted by multiple in silico tools to have a deleterious effect on protein function. Based on the available evidence, the c.410C>T (p.Ala137Val) variant is classified as likely pathogenic.

Counsyl
Classification: Likely pathogenic for Maple syrup urine disease type 1A. Last evaluated: 2016-05-26. Review status: no assertion criteria provided. Collection method: clinical testing. Allele origin: unknown. Not counted in ClinVar's aggregate classification.

Literature cited by the submitters: PubMed 31119508 (cited by Natera, Inc.); PubMed 32812330 (cited by Natera, Inc. and Women's Health and Genetics/Laboratory Corporation of America, LabCorp); PubMed 31980395 (cited by Natera, Inc.); PubMed 14567968 (cited by 3 submitters); PubMed 16468966 (cited by 3 submitters); PubMed 26830710 (cited by 3 submitters); PubMed 29306928 (cited by Labcorp Genetics (formerly Invitae), Labcorp and Women's Health and Genetics/Laboratory Corporation of America, LabCorp); PubMed 22727569 (cited by Counsyl).

NM_183050.4(BCKDHB):c.410C>T (p.Ala137Val)

Gene: BCKDHB (branched chain keto acid dehydrogenase E1 subunit beta; plus strand). Cytogenetic location: 6q14.1.
Variant type: single nucleotide variant.
Coding change: c.410C>T on transcript NM_183050.4 (MANE Select); coding-DNA position 410, C replaced by T.
Protein change: p.Ala137Val; replaces alanine 137 with valine.
Molecular consequence: missense variant. On other transcripts: non-coding transcript variant (1).
Genome position (GRCh38, 1-based): chr6:80,167,744, C>T. VCF-style: chr6-80167744-C-T. GRCh37 (hg19) VCF-style: chr6-80877461-C-T.
Other names: c.410C>T, p.Ala137Val (NM_000056.5); c.200C>T, p.Ala67Val (NM_001318975.1); short protein forms A137V, A67V.
Identifiers: ClinVar variation 370949 (VCV000370949.20), dbSNP rs776631396, ClinGen allele CA3902601.